The following is an entry in ClinVar:

ClinVar aggregate classification (germline): Pathogenic (1 of 4 stars; one submission).

Submission:

Quest Diagnostics Nichols Institute San Juan Capistrano
Classification: Pathogenic. Last evaluated: 2022-06-06. Review status: criteria provided, single submitter. Criteria: ACMG/ClinGen CNV Guidelines, 2019. Collection method: clinical testing. Allele origin: unknown.
Comment: The copy number gain of Xq28 overlaps the int22h1/int22h2-mediated Xq28 duplication syndrome region (OMIM 300815), which is an X-linked intellectual disability syndrome characterized by variable features including cognitive impairment, behavioral and psychiatric problems, recurrent infections and atopic diseases, obesity, and distinctive facial features in males. Female carriers exhibit a milder phenotype (with learning difficulties and distinctive facies) or are clinically unaffected. The cognitive impairment in individuals with the int22h1/int22h2-mediated Xq28 duplication syndrome is likely due to increased dosage of one or more of the encompassed genes; the most likely candidates are CLIC2 (OMIM 300138) and RAB39B (OMIM 300774)(El-Hattab et al., GeneReviews, 2016. PMID: 26962617; El-Hattab et al., BMC Med Genet. 2015 Mar 14;16:12. PMID: 25927380; Isrie et al., Eur J Med Genet. 2012 Nov;55(11):577-85. PMID: 22659343; Vanmarsenille L. Hum Mutat. 2014 Mar;35(3):377-83. PMID: 24357492).

GRCh37/hg19 Xq28(chrX:154112020-154617577)x3

Genes: F8A1 (coagulation factor VIII associated 1; plus strand), BRCC3 (BRCA1/BRCA2-containing complex subunit 3; plus strand), CLIC2 (chloride intracellular channel 2; minus strand), CMC4 (C-X9-C motif containing 4; minus strand), F8 (coagulation factor VIII; minus strand) and 7 more. Cytogenetic location: Xq28.
Variant type: copy number gain.
Change: copy number 3 of chrX:154,112,020-154,617,577 (505.6 kb, GRCh37 coordinates, 1-based), cytogenetic band Xq28.
Identifiers: ClinVar variation 1808693 (VCV001808693.1).